The following is an entry in ClinVar:

NM_005159.5(ACTC1):c.337A>T (p.Asn113Tyr)

Genes: ACTC1 (actin alpha cardiac muscle 1; minus strand), GJD2-DT (GJD2 divergent transcript; plus strand). Cytogenetic location: 15q14.
Variant type: single nucleotide variant.
Coding change: c.337A>T on transcript NM_005159.5 (MANE Select); coding-DNA position 337, A replaced by T.
Protein change: p.Asn113Tyr; replaces asparagine 113 with tyrosine.
Molecular consequence: missense variant. On other transcripts: 5 prime UTR variant (1).
Genome position (GRCh38, 1-based): chr15:34,793,362, T>A on the plus strand (A>T on the coding strand, the complement: ACTC1 is on the minus strand). VCF-style: chr15-34793362-T-A. GRCh37 (hg19) VCF-style: chr15-35085563-T-A.
Other names: c.337A>T, p.Asn113Tyr (NM_001406482.1, NM_001406483.1); c.202A>T, p.Asn68Tyr (NM_001406484.1); c.-52A>T (NM_001406485.1); short protein forms N68Y, N113Y.
Identifiers: ClinVar variation 2942411 (VCV002942411.3), dbSNP rs2504182784, ClinGen allele CA391631466.
Genomic context (GRCh38, chr15:34,793,362, plus strand): 5'-CAGGGACATTGAAGGTCTCAAACATGATCTGAGTCATCTTCTCCCGGTTGGCCTTGGGGT[T>A]CAGCGGGGCCTCTGTGAGCAGGGTGGGGTGCTCCTCGGGAGCCACACGGAGCTCATTGTA-3'
Protein context (NP_005150.1, residues 103-123): HPTLLTEAPL[Asn113Tyr]PKANREKMTQ

ClinVar aggregate classification (germline): Uncertain significance (1 of 4 stars; one submission).

Conditions:
Hypertrophic cardiomyopathy 11. Also called: ACTC1-Related Familial Hypertrophic Cardiomyopathy. Identifiers: MedGen C2677506, MONDO:0012799, OMIM 612098.
Dilated cardiomyopathy 1R (CMD1R). Identifiers: Orphanet 154, Orphanet 54260, MedGen C3150681, MONDO:0013261, OMIM 613424.
Atrial septal defect 5 (ASD5). Identifiers: Orphanet 1478, MedGen C2748552, MONDO:0013011, OMIM 612794.

Submission:

Labcorp Genetics (formerly Invitae), Labcorp
Classification: Uncertain significance for Dilated cardiomyopathy 1R; Hypertrophic cardiomyopathy 11; Atrial septal defect 5. Last evaluated: 2022-12-16. Review status: criteria provided, single submitter. Criteria: Invitae Variant Classification Sherloc (09022015). Collection method: clinical testing. Allele origin: germline.
Comment: This sequence change replaces asparagine, which is neutral and polar, with tyrosine, which is neutral and polar, at codon 113 of the ACTC1 protein (p.Asn113Tyr). In summary, the available evidence is currently insufficient to determine the role of this variant in disease. Therefore, it has been classified as a Variant of Uncertain Significance. Advanced modeling of protein sequence and biophysical properties (such as structural, functional, and spatial information, amino acid conservation, physicochemical variation, residue mobility, and thermodynamic stability) performed at Invitae indicates that this missense variant is expected to disrupt ACTC1 protein function. This variant has not been reported in the literature in individuals affected with ACTC1-related conditions. This variant is not present in population databases (gnomAD no frequency).